The following is an entry in ClinVar:

ClinVar aggregate classification (germline): Uncertain significance (1 of 4 stars; one submission).

Submission:

Ambry Genetics
Classification: Uncertain significance. Last evaluated: 2021-10-21. Review status: criteria provided, single submitter. Criteria: Ambry Variant Classification Scheme 2023. Collection method: clinical testing. Allele origin: germline.
Comment: The p.T1415P variant (also known as c.4243A>C), located in coding exon 4 of the ALPK2 gene, results from an A to C substitution at nucleotide position 4243. The threonine at codon 1415 is replaced by proline, an amino acid with highly similar properties. This amino acid position is conserved. In addition, this alteration is predicted to be tolerated by in silico analysis. Since supporting evidence is limited at this time, the clinical significance of this alteration remains unclear.

NM_052947.4(ALPK2):c.4243A>C (p.Thr1415Pro)

Genes: ALPK2 (alpha kinase 2; minus strand), LOC126862764 (BRD4-independent group 4 enhancer GRCh37_chr18:56202574-56203773; plus strand). Cytogenetic location: 18q21.31.
Variant type: single nucleotide variant.
Coding change: c.4243A>C on transcript NM_052947.4 (MANE Select); coding-DNA position 4243, A replaced by C.
Protein change: p.Thr1415Pro; replaces threonine 1415 with proline.
Molecular consequence: missense variant.
Genome position (GRCh38, 1-based): chr18:58,535,944, T>G on the plus strand (A>C on the coding strand, the complement: ALPK2 is on the minus strand). VCF-style: chr18-58535944-T-G. GRCh37 (hg19) VCF-style: chr18-56203176-T-G.
Other names: short protein forms T1415P.
Identifiers: ClinVar variation 1739017 (VCV001739017.2), dbSNP rs2518875143, ClinGen allele CA402563525.